The following is an entry in ClinVar:

NM_031483.7(ITCH):c.244C>T (p.Arg82Cys)

Gene: ITCH (itchy E3 ubiquitin protein ligase; plus strand). Cytogenetic location: 20q11.22.
Variant type: single nucleotide variant.
Coding change: c.244C>T on transcript NM_031483.7 (MANE Select); coding-DNA position 244, C replaced by T.
Protein change: p.Arg82Cys; replaces arginine 82 with cysteine.
Molecular consequence: missense variant. On other transcripts: 5 prime UTR variant (1).
Genome position (GRCh38, 1-based): chr20:34,412,546, C>T. VCF-style: chr20-34412546-C-T. GRCh37 (hg19) VCF-style: chr20-33000352-C-T.
Other names: c.244C>T, p.Arg82Cys (NM_001257137.3, NM_001324197.2, NM_001324198.2); c.-87C>T (NM_001257138.3); short protein forms R82C.
Identifiers: ClinVar variation 1378526 (VCV001378526.5), dbSNP rs532322331, ClinGen allele CA9821276.

ClinVar aggregate classification (germline): Uncertain significance (1 of 4 stars; one submission).

Conditions:
Syndromic multisystem autoimmune disease due to ITCH deficiency. Also called: AUTOIMMUNE DISEASE, MULTISYSTEM, WITH FACIAL DYSMORPHISM. Identifiers: Orphanet 228426, MedGen C3150649, MONDO:0013245, OMIM 613385.

gnomAD v4.1: 9 of 1,600,932 alleles (0.00056%); highest among the groups gnomAD compares: South Asian, 0.0011%; no homozygotes.

Submission:

Labcorp Genetics (formerly Invitae), Labcorp
Classification: Uncertain significance for Syndromic multisystem autoimmune disease due to ITCH deficiency. Last evaluated: 2021-09-24. Review status: criteria provided, single submitter. Criteria: Invitae Variant Classification Sherloc (09022015). Collection method: clinical testing. Allele origin: germline.
Comment: This sequence change replaces arginine with cysteine at codon 82 of the ITCH protein (p.Arg82Cys). The arginine residue is highly conserved and there is a large physicochemical difference between arginine and cysteine. This variant is present in population databases (rs532322331, ExAC 0.002%). This variant has not been reported in the literature in individuals with ITCH-related conditions. Algorithms developed to predict the effect of missense changes on protein structure and function are either unavailable or do not agree on the potential impact of this missense change (SIFT: "Not Available"; PolyPhen-2: "Probably Damaging"; Align-GVGD: "Not Available"). In summary, the available evidence is currently insufficient to determine the role of this variant in disease. Therefore, it has been classified as a Variant of Uncertain Significance.